The following is an entry in ClinVar:

ClinVar aggregate classification (germline): Pathogenic (1 of 4 stars; one submission).

Conditions:
Neuromuscular disease caused by qualitative or quantitative defects of dystrophin. Also called: Qualitative or quantitative defects of dystrophin. Identifiers: Orphanet 207085, MedGen C5679787, MONDO:0016147.

Submission:

Women's Health and Genetics/Laboratory Corporation of America, LabCorp
Classification: Pathogenic for Neuromuscular disease caused by qualitative or quantitative defects of dystrophin. Last evaluated: 2022-10-12. Review status: criteria provided, single submitter. Criteria: LabCorp Variant Classification Summary - May 2015. Collection method: clinical testing. Allele origin: germline.
Comment: Variant summary: The variant identified by MLPA or other technology involves the deletion of exons 49-52 in the DMD gene. A presumed nomenclature of c.(7098+1_7099-1)_(7660+1_7661-1)del has been designated for the purposes of this classification. Although exact breakpoints of this deletion are not known, it is expected to result in a frameshift in the DMD gene, a known mechanism of disease. The variant was absent in 16120 control chromosomes (gnomAD, Structural Variants dataset). c.(7098+1_7099-1)_(7660+1_7661-1)del has been reported in the literature and in the UMD database in multiple individuals affected with Dystrophinopathies (e.g. Tuffery-Giraud_2009, Zhang_2019, Nallamilli_2021). These data indicate that the variant is very likely to be associated with disease. Two clinical diagnostic laboratories have submitted clinical-significance assessments for this variant to ClinVar after 2014 and both classified the variant as pathogenic. Based on the evidence outlined above, the variant was classified as pathogenic.

Literature cited by the submitters: PubMed 19367636; PubMed 31727011; PubMed 33644936.

NC_000023.10:g.(31697704_31747747)_(31854937_31893304)del

Gene: DMD (dystrophin; minus strand). Cytogenetic location: Xp21.1.
Variant type: Deletion.
Identifiers: ClinVar variation 1723301 (VCV001723301.1).